The following is an entry in ClinVar:

ClinVar aggregate classification (germline): Likely benign (1 of 4 stars; one submission).

Allele frequency attached by ClinVar (database versions not stated): 1000 Genomes Project 30x 0.00141; 1000 Genomes Project 0.00160; ExAC 0.00227; gnomAD 0.00265; TOPMed 0.00269; gnomAD exomes 0.00342; ESP Exome Variant Server 0.00377.
gnomAD v4.1: 5,333 of 1,609,322 alleles (0.33%); highest among the groups gnomAD compares: Non-Finnish European, 0.42%; 7 homozygotes.

Submission:

CeGaT Center for Human Genetics Tuebingen
Classification: Likely benign. Last evaluated: 2026-09-01. Review status: criteria provided, single submitter. Criteria: CeGaT Center For Human Genetics Tuebingen Variant Classification Criteria Version 2. Collection method: clinical testing. Allele origin: germline. Affected: yes. Observed: 13 variant alleles.
Comment: LRRC19: BP4, BP7

NM_022901.3(LRRC19):c.720T>C (p.Ile240=)

Genes: IFT74 (intraflagellar transport 74; plus strand), LRRC19 (leucine rich repeat containing 19; minus strand). Cytogenetic location: 9p21.2.
Variant type: single nucleotide variant.
Coding change: c.720T>C on transcript NM_022901.3 (MANE Select); coding-DNA position 720, T replaced by C.
Protein change: p.Ile240=; no amino-acid change (isoleucine 240 retained).
Molecular consequence: synonymous variant. On other transcripts: intron variant (5).
Genome position (GRCh38, 1-based): chr9:26,996,375, A>G on the plus strand (T>C on the coding strand, the complement: LRRC19 is on the minus strand). VCF-style: chr9-26996375-A-G. GRCh37 (hg19) VCF-style: chr9-26996373-A-G.
Other names: c.587+6180A>G (NM_001099223.3, NM_001099222.3, NM_001349928.2 and 2 more transcripts).
Identifiers: ClinVar variation 2579059 (VCV002579059.25), dbSNP rs139456311, ClinGen allele CA5015130.